The following is an entry in ClinVar:

ClinVar aggregate classification (germline): Pathogenic/Likely pathogenic. Review status: criteria provided, multiple submitters, no conflicts (2 of 4 stars). 4 submissions from 4 submitters: Pathogenic (3); Likely pathogenic (1). Last evaluated 2025-08-07.

Conditions:
Werner syndrome (WRN). Identifiers: Orphanet 902, MedGen C0043119, MONDO:0010196, OMIM 277700.

Allele frequency attached by ClinVar (database versions not stated): gnomAD 0.00001; gnomAD exomes below 0.00001; TOPMed 0.00001.
gnomAD v4.1: 9 of 1,613,944 alleles (0.00056%); highest among the groups gnomAD compares: African/African-American, 0.0013%; no homozygotes.

Submissions (4):

Labcorp Genetics (formerly Invitae), Labcorp
Classification: Pathogenic for Werner syndrome. Last evaluated: 2025-08-07. Review status: criteria provided, single submitter. Criteria: Invitae Variant Classification Sherloc (09022015). Collection method: clinical testing. Allele origin: germline.
Comment: This sequence change creates a premature translational stop signal (p.Arg1321*) in the WRN gene. It is expected to result in an absent or disrupted protein product. Loss-of-function variants in WRN are known to be pathogenic (PMID: 16673358). This variant is present in population databases (no rsID available, gnomAD 0.01%). This premature translational stop signal has been observed in individual(s) with Werner syndrome (PMID: 20443122). ClinVar contains an entry for this variant (Variation ID: 578242). For these reasons, this variant has been classified as Pathogenic.

Dasa
Classification: Likely pathogenic. Last evaluated: 2025-06-10. Review status: criteria provided, single submitter. Criteria: DASA Assertion Criteria. Collection method: clinical testing. Allele origin: germline.
Comment: NM_000553.6(WRN):c.3961C>T (p.Arg1321*) is a nonsense variant in WRN predicted to introduce a premature termination codon and is predicted to result in an absent or altered protein product. Loss of function is an established disease mechanism for WRN-associated disorders. Also, this variant is rare in population databases. Based on the currently available evidence, this variant is classified as likely pathogenic.

Genetic Services Laboratory, University of Chicago
Classification: Pathogenic. Last evaluated: 2024-02-19. Review status: criteria provided, single submitter. Criteria: ACMG Guidelines, 2015. Collection method: clinical testing. Allele origin: germline. Affected: yes.
Comment: DNA sequence analysis of the WRN gene demonstrated a sequence change, c.3961C>T, which results in the creation of a premature stop codon at amino acid position 1321, p.Arg1321*. This sequence change is predicted to result in an abnormal transcript, which may be degraded, or may lead to the production of a truncated WRN protein with potentially abnormal function. This sequence change has been described in the gnomAD database with a frequency of 0.0032% (dbSNP rs1303126572). This sequence change has previously been described in an individual with Werner syndrome who also had another truncating sequence change in the same gene (PMID: 20443122). Loss of function sequence changes in the WRN gene have been reported in the individuals with Werner syndrome and have been reported to be pathogenic (PMID: 16673358, 30140198, 8968742). These collective evidences indicate that this sequence change is pathogenic, however functional studies have not been performed to prove this conclusively.

Baylor Genetics
Classification: Pathogenic for Werner syndrome. Last evaluated: 2023-08-11. Review status: criteria provided, single submitter. Criteria: ACMG Guidelines, 2015. Collection method: clinical testing. Allele origin: unknown.

Literature cited by the submitters: PubMed 16673358 (cited by Labcorp Genetics (formerly Invitae), Labcorp); PubMed 20443122 (cited by Labcorp Genetics (formerly Invitae), Labcorp).

NM_000553.6(WRN):c.3961C>T (p.Arg1321Ter)

Gene: WRN (WRN RecQ like helicase; plus strand). Cytogenetic location: 8p12.
Variant type: single nucleotide variant.
Coding change: c.3961C>T on transcript NM_000553.6 (MANE Select); coding-DNA position 3961, C replaced by T.
Protein change: p.Arg1321Ter; replaces arginine 1321 with a stop codon.
Molecular consequence: nonsense.
Genome position (GRCh38, 1-based): chr8:31,157,509, C>T. VCF-style: chr8-31157509-C-T. GRCh37 (hg19) VCF-style: chr8-31015025-C-T.
Other names: c.3961C>T (NM_000553.5); short protein forms R1321*.
Identifiers: ClinVar variation 578242 (VCV000578242.11), dbSNP rs1303126572, ClinGen allele CA370929661.